The following is an entry in ClinVar:

NM_014339.7(IL17RA):c.251A>G (p.His84Arg)

Gene: IL17RA (interleukin 17 receptor A; plus strand). Cytogenetic location: 22q11.1.
Variant type: single nucleotide variant.
Coding change: c.251A>G on transcript NM_014339.7 (MANE Select); coding-DNA position 251, A replaced by G.
Protein change: p.His84Arg; replaces histidine 84 with arginine.
Molecular consequence: missense variant.
Genome position (GRCh38, 1-based): chr22:17,097,884, A>G. VCF-style: chr22-17097884-A-G. GRCh37 (hg19) VCF-style: chr22-17578774-A-G.
Other names: c.251A>G, p.His84Arg (NM_001289905.2); c.251A>G (NM_014339.5); short protein forms H84R.
Identifiers: ClinVar variation 1397378 (VCV001397378.7), dbSNP rs773666876, ClinGen allele CA10086272.
Genomic context (GRCh38, chr22:17,097,884, plus strand): 5'-ACCCTCGAAACCTGACCCCCTCCTCCCCAAAGGACCTGCAGATCCAGCTGCACTTTGCCC[A>G]CACCCAACAAGGAGACCTGTTCCCCGTGGCTCACATCGAATGGACACTGCAGACAGACGG-3'
Protein context (NP_055154.3, residues 74-94): KDLQIQLHFA[His84Arg]TQQGDLFPVA

ClinVar aggregate classification (germline): Uncertain significance. Review status: criteria provided, multiple submitters, no conflicts (2 of 4 stars). 2 submissions from 2 submitters: Uncertain significance (2). Last evaluated 2024-12-04.

Conditions:
Immunodeficiency 51 (IMD51). Also called: CANDIDIASIS, FAMILIAL, 5. Identifiers: Orphanet 1334, MedGen C4310803, MONDO:0013500, OMIM 613953.

Allele frequency attached by ClinVar (database versions not stated): gnomAD exomes below 0.00001 and 0.00001; TOPMed below 0.00001; ExAC 0.00001.
gnomAD v4.1: 2 of 1,614,148 alleles (0.00012%); highest among the groups gnomAD compares: Admixed American, 0.0033%; no homozygotes.

Submissions (2):

Ambry Genetics
Classification: Uncertain significance. Last evaluated: 2024-12-04. Review status: criteria provided, single submitter. Criteria: Ambry Variant Classification Scheme 2023. Collection method: clinical testing. Allele origin: germline.

Labcorp Genetics (formerly Invitae), Labcorp
Classification: Uncertain significance for Immunodeficiency 51. Last evaluated: 2021-02-10. Review status: criteria provided, single submitter. Criteria: Invitae Variant Classification Sherloc (09022015). Collection method: clinical testing. Allele origin: germline.
Comment: In summary, the available evidence is currently insufficient to determine the role of this variant in disease. Therefore, it has been classified as a Variant of Uncertain Significance. Algorithms developed to predict the effect of missense changes on protein structure and function output the following: SIFT: "Tolerated"; PolyPhen-2: "Benign"; Align-GVGD: "Class C0". The arginine amino acid residue is found in multiple mammalian species, suggesting that this missense change does not adversely affect protein function. These predictions have not been confirmed by published functional studies and their clinical significance is uncertain. This variant has not been reported in the literature in individuals with IL17RA-related conditions. This variant is present in population databases (rs773666876, ExAC 0.009%). This sequence change replaces histidine with arginine at codon 84 of the IL17RA protein (p.His84Arg). The histidine residue is weakly conserved and there is a small physicochemical difference between histidine and arginine.